The following is an entry in ClinVar:

ClinVar aggregate classification (germline): Conflicting classifications of pathogenicity. Review status: criteria provided, conflicting classifications (1 of 4 stars). 2 submissions from 2 submitters: Uncertain significance (1); Likely benign (1). Last evaluated 2024-11-15.

Allele frequency attached by ClinVar (database versions not stated): TOPMed below 0.00001; ExAC 0.00001; gnomAD 0.00001; gnomAD exomes 0.00001.

Submissions (2):

Ambry Genetics
Classification: Likely benign. Last evaluated: 2024-11-15. Review status: criteria provided, single submitter. Criteria: Ambry Variant Classification Scheme 2023. Collection method: clinical testing. Allele origin: germline.

Labcorp Genetics (formerly Invitae), Labcorp
Classification: Uncertain significance. Last evaluated: 2023-10-08. Review status: criteria provided, single submitter. Criteria: Invitae Variant Classification Sherloc (09022015). Collection method: clinical testing. Allele origin: germline.
Comment: This sequence change replaces alanine, which is neutral and non-polar, with threonine, which is neutral and polar, at codon 326 of the IRF9 protein (p.Ala326Thr). The frequency data for this variant in the population databases is considered unreliable, as metrics indicate poor data quality at this position in the gnomAD database. This variant has not been reported in the literature in individuals affected with IRF9-related conditions. ClinVar contains an entry for this variant (Variation ID: 1517810). Algorithms developed to predict the effect of missense changes on protein structure and function output the following: SIFT: "Not Available"; PolyPhen-2: "Benign"; Align-GVGD: "Not Available". The threonine amino acid residue is found in multiple mammalian species, which suggests that this missense change does not adversely affect protein function. In summary, the available evidence is currently insufficient to determine the role of this variant in disease. Therefore, it has been classified as a Variant of Uncertain Significance.

NM_006084.5(IRF9):c.976G>A (p.Ala326Thr)

Gene: IRF9 (interferon regulatory factor 9; plus strand). Cytogenetic location: 14q12.
Variant type: single nucleotide variant.
Coding change: c.976G>A on transcript NM_006084.5 (MANE Select); coding-DNA position 976, G replaced by A.
Protein change: p.Ala326Thr; replaces alanine 326 with threonine.
Molecular consequence: missense variant.
Genome position (GRCh38, 1-based): chr14:24,164,940, G>A. VCF-style: chr14-24164940-G-A. GRCh37 (hg19) VCF-style: chr14-24634149-G-A.
Other names: c.976G>A (NM_006084.4); c.1003G>A, p.Ala335Thr (NM_001385400.1, NM_001385401.1); c.713G>A, p.Arg238His (NM_001385402.1); short protein forms A326T, A335T, R238H.
Identifiers: ClinVar variation 1517810 (VCV001517810.9), dbSNP rs755364562, ClinGen allele CA7126588.